The following is an entry in ClinVar:

NM_182961.4(SYNE1):c.23145+6T>G

Gene: SYNE1 (spectrin repeat containing nuclear envelope protein 1; minus strand). Cytogenetic location: 6q25.2.
Variant type: single nucleotide variant.
Coding change: c.23145+6T>G on transcript NM_182961.4 (MANE Select); 6 bases into the intron after coding-DNA position 23145, T replaced by G.
Molecular consequence: intron variant.
Genome position (GRCh38, 1-based): chr6:152,201,818, A>C on the plus strand (T>G on the coding strand, the complement: SYNE1 is on the minus strand). VCF-style: chr6-152201818-A-C. GRCh37 (hg19) VCF-style: chr6-152522953-A-C.
Other names: c.22932+6T>G (NM_033071.5, NM_033071.3).
Identifiers: ClinVar variation 194145 (VCV000194145.8), dbSNP rs794727081, ClinGen allele CA239985.

ClinVar aggregate classification (germline): Uncertain significance. Review status: criteria provided, multiple submitters, no conflicts (2 of 4 stars). 3 submissions from 3 submitters: Uncertain significance (2). 1 of the submissions does not count toward it. Last evaluated 2018-08-23.

Conditions:
SYNE1-related disorder. Also called: SYNE1-related disease; SYNE1-related condition; SYNE1-related disorders.

Allele frequency attached by ClinVar (database versions not stated): gnomAD 0.00001; TOPMed 0.00001.
gnomAD v4.1: 1 of 1,613,732 alleles (0.000062%); highest among the groups gnomAD compares: Non-Finnish European, 0.000085%; no homozygotes.

Submissions (3):

Athena Diagnostics
Classification: Uncertain significance. Last evaluated: 2018-08-23. Review status: criteria provided, single submitter. Criteria: Athena Diagnostics Criteria. Collection method: clinical testing. Allele origin: germline.

Eurofins Ntd Llc (ga)
Classification: Uncertain significance. Last evaluated: 2015-05-05. Review status: criteria provided, single submitter. Criteria: EGL Classification Definitions 2015. Collection method: clinical testing. Allele origin: germline. Observed: 1 variant allele, 1 heterozygote.

PreventionGenetics, part of Exact Sciences
Classification: Likely benign for SYNE1-related condition. Last evaluated: 2019-03-25. Review status: no assertion criteria provided. Collection method: clinical testing. Allele origin: germline. Not counted in ClinVar's aggregate classification.
Comment: This variant is classified as likely benign based on ACMG/AMP sequence variant interpretation guidelines (Richards et al. 2015 PMID: 25741868, with internal and published modifications).